The following is an entry in ClinVar:

ClinVar aggregate classification (germline): Uncertain significance (1 of 4 stars; one submission).

gnomAD v4.1: 2 of 1,574,034 alleles (0.00013%); highest among the groups gnomAD compares: Non-Finnish European, 0.00017%; no homozygotes.

Submission:

Labcorp Genetics (formerly Invitae), Labcorp
Classification: Uncertain significance. Last evaluated: 2023-02-03. Review status: criteria provided, single submitter. Criteria: Invitae Variant Classification Sherloc (09022015). Collection method: clinical testing. Allele origin: germline.
Comment: In summary, the available evidence is currently insufficient to determine the role of this variant in disease. Therefore, it has been classified as a Variant of Uncertain Significance. Algorithms developed to predict the effect of sequence changes on RNA splicing suggest that this variant is not likely to affect RNA splicing. This variant has not been reported in the literature in individuals affected with ANLN-related conditions. This variant is not present in population databases (gnomAD no frequency). This sequence change affects codon 544 of the ANLN mRNA. It is a 'silent' change, meaning that it does not change the encoded amino acid sequence of the ANLN protein. It affects a nucleotide within the consensus splice site.

NM_018685.5(ANLN):c.1632T>A (p.Ile544=)

Gene: ANLN (anillin, actin binding protein; plus strand). Cytogenetic location: 7p14.2.
Variant type: single nucleotide variant.
Coding change: c.1632T>A on transcript NM_018685.5 (MANE Select); coding-DNA position 1632, T replaced by A.
Protein change: p.Ile544=; no amino-acid change (isoleucine 544 retained).
Molecular consequence: synonymous variant. On other transcripts: intron variant (2).
Genome position (GRCh38, 1-based): chr7:36,417,189, T>A. VCF-style: chr7-36417189-T-A. GRCh37 (hg19) VCF-style: chr7-36456798-T-A.
Other names: c.1522+1305T>A (NM_001284301.3, NM_001284302.3).
Identifiers: ClinVar variation 2816315 (VCV002816315.3), dbSNP rs201617718, ClinGen allele CA454684654.
Genomic context (GRCh38, chr7:36,417,189, plus strand): 5'-GTTTTTAGAAGAGGACAAATCCTTAAAAGTAACATCAGACCCAAAGGTTGAGCAGAAAAT[T>A]GGTTGGTTTTTATTCTTTATTTATTATTAACTTTGCACATACTATAGGAAATAATATATT-3'
Protein context (NP_061155.2, residues 534-554): VTSDPKVEQK[Ile544=]EVIREIEMSV